The following is an entry in ClinVar:

NM_000487.6(ARSA):c.701A>G (p.Gln234Arg)

Gene: ARSA (arylsulfatase A; minus strand). Cytogenetic location: 22q13.33.
Variant type: single nucleotide variant.
Coding change: c.701A>G on transcript NM_000487.6 (MANE Select); coding-DNA position 701, A replaced by G.
Protein change: p.Gln234Arg; replaces glutamine 234 with arginine.
Molecular consequence: missense variant.
Genome position (GRCh38, 1-based): chr22:50,626,744, T>C on the plus strand (A>G on the coding strand, the complement: ARSA is on the minus strand). VCF-style: chr22-50626744-T-C. GRCh37 (hg19) VCF-style: chr22-51065172-T-C.
Other names: c.701A>G, p.Gln234Arg (NM_001085425.3, NM_001085426.3, NM_001085427.3); c.443A>G, p.Gln148Arg (NM_001085428.3, NM_001362782.2); short protein forms Q148R, Q234R.
Identifiers: ClinVar variation 1068356 (VCV001068356.17), dbSNP rs748583298, ClinGen allele CA10324936.
Genomic context (GRCh38, chr22:50,626,744, plus strand): 5'-ATCAGGGAGTCCCCAAATGGCCCGCGGCCTGAACGCTCTGCAAAGCTCTGCCCACTGAAC[T>C]GAGGGTAGTGGGTGTGCTGGGGGCAAAGACTGGAGTTAGCACTGGGTAGGGGTCACGGGC-3'
Protein context (NP_000478.3, residues 224-244): YYASHHTHYP[Gln234Arg]FSGQSFAERS

ClinVar aggregate classification (germline): Likely pathogenic. Review status: criteria provided, multiple submitters, no conflicts (2 of 4 stars). 3 submissions from 3 submitters: Likely pathogenic (3). Last evaluated 2025-09-24.

Conditions:
Metachromatic leukodystrophy (MLD). Also called: Cerebral sclerosis diffuse metachromatic form; Arylsulfatase A Deficiency; ARSA DEFICIENCY; CEREBROSIDE SULFATASE DEFICIENCY; METACHROMATIC LEUKOENCEPHALOPATHY; SULFATIDE LIPIDOSIS. Identifiers: Orphanet 512, MedGen C0023522, MONDO:0018868, OMIM 250100.

Allele frequency attached by ClinVar (database versions not stated): gnomAD exomes below 0.00001; ExAC 0.00001; gnomAD 0.00001; TOPMed 0.00002.
gnomAD v4.1: 1 of 1,613,296 alleles (0.000062%); highest among the groups gnomAD compares: African/African-American, 0.0013%; no homozygotes.

Submissions (4):

Women's Health and Genetics/Laboratory Corporation of America, LabCorp
Classification: Likely pathogenic for Metachromatic leukodystrophy. Last evaluated: 2025-09-24. Review status: criteria provided, single submitter. Criteria: LabCorp Variant Classification Summary - May 2015. Collection method: clinical testing. Allele origin: germline.
Comment: Variant summary: ARSA c.701A>G (p.Gln234Arg) results in a conservative amino acid change in the encoded protein sequence. Algorithms developed to predict the effect of missense changes on protein structure and function are either unavailable or do not agree on the potential impact of this missense change. The variant allele was found at a frequency of 4e-06 in 250810 control chromosomes. The available data on variant occurrences in the general population are insufficient to allow any conclusion about variant significance. c.701A>G has been observed in individual(s) affected with Metachromatic Leukodystrophy (internal data). At least one publication reports experimental evidence evaluating an impact on protein function. The most pronounced variant effect results in <10% of normal activity (Trinidad_2023). The following publications have been ascertained in the context of this evaluation (PMID: 40055237, 37480112). ClinVar contains an entry for this variant (Variation ID: 1068356). Based on the evidence outlined above, the variant was classified as likely pathogenic.

Fulgent Genetics
Classification: Likely pathogenic for Metachromatic leukodystrophy. Last evaluated: 2024-03-27. Review status: criteria provided, single submitter. Criteria: ACMG Guidelines, 2015. Collection method: clinical testing. Allele origin: germline.

Labcorp Genetics (formerly Invitae), Labcorp
Classification: Likely pathogenic for Metachromatic leukodystrophy. Last evaluated: 2020-05-08. Review status: criteria provided, single submitter. Criteria: Invitae Variant Classification Sherloc (09022015). Collection method: clinical testing. Allele origin: germline.
Comment: In summary, the currently available evidence indicates that the variant is pathogenic, but additional data are needed to prove that conclusively. Therefore, this variant has been classified as Likely Pathogenic. Algorithms developed to predict the effect of missense changes on protein structure and function (SIFT, PolyPhen-2, Align-GVGD) all suggest that this variant is likely to be disruptive, but these predictions have not been confirmed by published functional studies and their clinical significance is uncertain. In at least one individual the data is consistent with the variant being in trans (on the opposite chromosome) from a pathogenic variant. This variant is present in population databases (rs748583298, ExAC 0.01%). This sequence change replaces glutamine with arginine at codon 234 of the ARSA protein (p.Gln234Arg). The glutamine residue is highly conserved and there is a small physicochemical difference between glutamine and arginine.

Gelb Laboratory, University of Washington
No classification provided (evidence only). Condition: Metachromatic leukodystrophy. Review status: no classification provided. Collection method: in vitro. Allele origin: not applicable. Functional consequence: loss of function. Not counted in ClinVar's aggregate classification.

Literature cited by the submitters: PubMed 37480112 (cited by Women's Health and Genetics/Laboratory Corporation of America, LabCorp); PubMed 40055237 (cited by Women's Health and Genetics/Laboratory Corporation of America, LabCorp).